The following is an entry in ClinVar:

ClinVar aggregate classification (germline): Uncertain significance (1 of 4 stars; one submission).

Submission:

Labcorp Genetics (formerly Invitae), Labcorp
Classification: Uncertain significance. Last evaluated: 2021-09-17. Review status: criteria provided, single submitter. Criteria: Invitae Variant Classification Sherloc (09022015). Collection method: clinical testing. Allele origin: germline.
Comment: In summary, the available evidence is currently insufficient to determine the role of this variant in disease. Therefore, it has been classified as a Variant of Uncertain Significance. Algorithms developed to predict the effect of missense changes on protein structure and function (SIFT, PolyPhen-2, Align-GVGD) all suggest that this variant is likely to be tolerated. This variant has not been reported in the literature in individuals affected with CFP-related conditions. This variant is not present in population databases (ExAC no frequency). This sequence change replaces valine with leucine at codon 115 of the CFP protein (p.Val115Leu). The valine residue is weakly conserved and there is a small physicochemical difference between valine and leucine.

NM_001145252.3(CFP):c.343G>T (p.Val115Leu)

Gene: CFP (complement factor properdin; minus strand). Cytogenetic location: Xp11.23.
Variant type: single nucleotide variant.
Coding change: c.343G>T on transcript NM_001145252.3 (MANE Select); coding-DNA position 343, G replaced by T.
Protein change: p.Val115Leu; replaces valine 115 with leucine.
Molecular consequence: missense variant.
Genome position (GRCh38, 1-based): chrX:47,628,162, C>A on the plus strand (G>T on the coding strand, the complement: CFP is on the minus strand). VCF-style: chrX-47628162-C-A. GRCh37 (hg19) VCF-style: chrX-47487561-C-A.
Other names: c.343G>T, p.Val115Leu (NM_002621.2); short protein forms V115L.
Identifiers: ClinVar variation 1475743 (VCV001475743.6), dbSNP rs2147937412, ClinGen allele CA412839029.